The following is an entry in ClinVar:

NM_001128164.2(ATXN1):c.647_648insTCA (p.Gln215_Gln216insHis)

Genes: ATXN1 (ataxin 1; minus strand), LOC108663993 (ataxin 1 repeat instability region; plus strand). Cytogenetic location: 6p22.3.
Variant type: Insertion.
Coding change: c.647_648insTCA on transcript NM_001128164.2 (MANE Select); coding-DNA positions 647 to 648, TCA inserted.
Protein change: p.Gln215_Gln216insHis.
Molecular consequence: 3 prime UTR variant (on NM_001357857.2). On other transcripts: inframe indel (1).
Genome position: GRCh38 VCF-style: chr6-16327663-C-CTGA. GRCh37 (hg19) VCF-style: chr6-16327894-C-CTGA.
Other names: c.647_648insTCA, p.Gln215_Gln216insHis (NM_000332.4); c.*60_*61insTCA (NM_001357857.2); c.647_648insTCA (NM_000332.3).
Identifiers: ClinVar variation 3037144 (VCV003037144.2), dbSNP rs766029394, ClinGen allele CA3645541.

ClinVar aggregate classification (germline): Benign (0 of 4 stars; one submission).

Conditions:
ATXN1-related disorder. Also called: ATXN1-related condition.

Submission:

PreventionGenetics, part of Exact Sciences
Classification: Benign for ATXN1-related condition. Last evaluated: 2019-05-09. Review status: no assertion criteria provided. Collection method: clinical testing. Allele origin: germline.
Comment: This variant is classified as benign based on ACMG/AMP sequence variant interpretation guidelines (Richards et al. 2015 PMID: 25741868, with internal and published modifications).